The following is an entry in ClinVar:

ClinVar aggregate classification (germline): Uncertain significance (1 of 4 stars; one submission).

Submission:

CeGaT Center for Human Genetics Tuebingen
Classification: Uncertain significance. Last evaluated: 2023-12-01. Review status: criteria provided, single submitter. Criteria: CeGaT Center For Human Genetics Tuebingen Variant Classification Criteria Version 2. Collection method: clinical testing. Allele origin: germline. Affected: yes. Observed: 1 variant allele.
Comment: EFEMP1: PM2

NM_001039348.3(EFEMP1):c.607C>T (p.Pro203Ser)

Gene: EFEMP1 (EGF-like fibulin extracellular matrix protein 1; minus strand). Cytogenetic location: 2p16.1.
Variant type: single nucleotide variant.
Coding change: c.607C>T on transcript NM_001039348.3 (MANE Select); coding-DNA position 607, C replaced by T.
Protein change: p.Pro203Ser; replaces proline 203 with serine.
Molecular consequence: missense variant.
Genome position (GRCh38, 1-based): chr2:55,881,645, G>A on the plus strand (C>T on the coding strand, the complement: EFEMP1 is on the minus strand). VCF-style: chr2-55881645-G-A. GRCh37 (hg19) VCF-style: chr2-56108780-G-A.
Other names: c.607C>T, p.Pro203Ser (NM_001039349.3); short protein forms P203S.
Identifiers: ClinVar variation 3026908 (VCV003026908.22), dbSNP rs1669245196, ClinGen allele CA347029503.